The following is an entry in ClinVar:

NM_177550.5(SLC13A5):c.335G>A (p.Arg112His)

Gene: SLC13A5 (solute carrier family 13 member 5; minus strand). Cytogenetic location: 17p13.1.
Variant type: single nucleotide variant.
Coding change: c.335G>A on transcript NM_177550.5 (MANE Select); coding-DNA position 335, G replaced by A.
Protein change: p.Arg112His; replaces arginine 112 with histidine.
Molecular consequence: missense variant.
Genome position (GRCh38, 1-based): chr17:6,706,675, C>T on the plus strand (G>A on the coding strand, the complement: SLC13A5 is on the minus strand). VCF-style: chr17-6706675-C-T. GRCh37 (hg19) VCF-style: chr17-6609994-C-T.
Other names: c.335G>A, p.Arg112His (NM_001143838.3, NM_001284509.2); c.206G>A, p.Arg69His (NM_001284510.2); short protein forms R112H, R69H.
Identifiers: ClinVar variation 952560 (VCV000952560.10), dbSNP rs772720272, ClinGen allele CA8331774.
Genomic context (GRCh38, chr17:6,706,675, plus strand): 5'-GTGGCAAGAGAGAGAAGGCGTAATTACCGTGCAGGCTTGGCCCCCACCCAGAGGAGCGTG[C>T]GCAGGGCGATCCTCTTGTGCAGGTTCCAGCGCTCCACAGCCACGGCCACGATGAGGCCGC-3'
Protein context (NP_808218.1, residues 102-122): RWNLHKRIAL[Arg112His]TLLWVGAKPA

ClinVar aggregate classification (germline): Uncertain significance (1 of 4 stars; one submission).

Conditions:
Developmental and epileptic encephalopathy, 25 (DEE25). Also called: Epileptic encephalopathy, early infantile, 25; Developmental and epileptic encephalopathy 25, with amelogenesis imperfecta; Epileptic encephalopathy, early infantile, 25, with amelogenesis imperfecta. Identifiers: Orphanet 442835, MedGen C4014621, MONDO:0014392, OMIM 615905.

Allele frequency attached by ClinVar (database versions not stated): gnomAD 0.00001; ExAC 0.00002; gnomAD exomes 0.00003.

Submission:

Labcorp Genetics (formerly Invitae), Labcorp
Classification: Uncertain significance for Developmental and epileptic encephalopathy, 25. Last evaluated: 2024-10-17. Review status: criteria provided, single submitter. Criteria: Invitae Variant Classification Sherloc (09022015). Collection method: clinical testing. Allele origin: germline.
Comment: This sequence change replaces arginine, which is basic and polar, with histidine, which is basic and polar, at codon 112 of the SLC13A5 protein (p.Arg112His). This variant is present in population databases (rs772720272, gnomAD 0.02%), including at least one homozygous and/or hemizygous individual. This variant has not been reported in the literature in individuals affected with SLC13A5-related conditions. ClinVar contains an entry for this variant (Variation ID: 952560). Invitae Evidence Modeling of protein sequence and biophysical properties (such as structural, functional, and spatial information, amino acid conservation, physicochemical variation, residue mobility, and thermodynamic stability) indicates that this missense variant is not expected to disrupt SLC13A5 protein function with a negative predictive value of 80%. In summary, the available evidence is currently insufficient to determine the role of this variant in disease. Therefore, it has been classified as a Variant of Uncertain Significance.